The following is an entry in ClinVar:

NM_000059.4(BRCA2):c.979A>T (p.Lys327Ter)

Gene: BRCA2 (BRCA2 DNA repair associated; plus strand). Cytogenetic location: 13q13.1.
Variant type: single nucleotide variant.
Coding change: c.979A>T on transcript NM_000059.4 (MANE Select); coding-DNA position 979, A replaced by T.
Protein change: p.Lys327Ter; replaces lysine 327 with a stop codon.
Molecular consequence: nonsense.
Genome position (GRCh38, 1-based): chr13:32,332,457, A>T. VCF-style: chr13-32332457-A-T. GRCh37 (hg19) VCF-style: chr13-32906594-A-T.
Other names: short protein forms K327X.
Identifiers: ClinVar variation 267173 (VCV000267173.9), dbSNP rs80359242, ClinGen allele CA10589065.
Genomic context (GRCh38, chr13:32,332,457, plus strand): 5'-AGTTTTTCATTATGTTTTTCTAAATGTAGAACAAAAAATCTACAAAAAGTAAGAACTAGC[A>T]AGACTAGGAAAAAAATTTTCCATGAAGCAAACGCTGATGAATGTGAAAAATCTAAAAACC-3'

ClinVar aggregate classification (germline): Pathogenic. Review status: reviewed by expert panel (3 of 4 stars). 3 submissions from 3 submitters: Pathogenic (1). 2 of the submissions do not count toward it. Last evaluated 2016-10-18.

Conditions:
Breast-ovarian cancer, familial, susceptibility to, 2 (BROVCA2). Also called: BRCA2 Hereditary Breast and Ovarian Cancer. Identifiers: Orphanet 145, MedGen C2675520, MONDO:0012933, OMIM 612555. Disease mechanism: loss of function.
Hereditary breast ovarian cancer syndrome. Also called: BRCA1- and BRCA2-Associated Hereditary Breast and Ovarian Cancer; Hereditary breast and ovarian cancer; Breast and ovarian cancer; Hereditary breast and/or ovarian cancer syndrome; Hereditary breast and ovarian cancer syndrome; Hereditary breast and ovarian cancer syndrome (HBOC). Identifiers: Orphanet 145, MedGen C0677776, MeSH D061325, MONDO:0003582. Disease mechanism: loss of function.

Submissions (3):

Evidence-based Network for the Interpretation of Germline Mutant Alleles (ENIGMA)
Classification: Pathogenic for Breast-ovarian cancer, familial, susceptibility to, 2. Last evaluated: 2016-10-18. Review status: reviewed by expert panel. Criteria: ENIGMA BRCA1/2 Classification Criteria (2015). Collection method: curation. Allele origin: germline.
Comment: Variant allele predicted to encode a truncated non-functional protein.

Labcorp Genetics (formerly Invitae), Labcorp
Classification: Pathogenic for Hereditary breast ovarian cancer syndrome. Last evaluated: 2021-10-29. Review status: criteria provided, single submitter. Criteria: Invitae Variant Classification Sherloc (09022015). Collection method: clinical testing. Allele origin: germline. Not counted in ClinVar's aggregate classification.
Comment: This sequence change creates a premature translational stop signal (p.Lys327*) in the BRCA2 gene. It is expected to result in an absent or disrupted protein product. Loss-of-function variants in BRCA2 are known to be pathogenic (PMID: 20104584). This variant is not present in population databases (gnomAD no frequency). This variant has not been reported in the literature in individuals affected with BRCA2-related conditions. ClinVar contains an entry for this variant (Variation ID: 267173). For these reasons, this variant has been classified as Pathogenic.

Consortium of Investigators of Modifiers of BRCA1/2 (CIMBA), c/o University of Cambridge
Classification: Pathogenic for Breast-ovarian cancer, familial, susceptibility to, 2. Last evaluated: 2015-10-02. Review status: criteria provided, single submitter. Criteria: CIMBA Mutation Classification guidelines May 2016. Collection method: clinical testing. Allele origin: germline. Not counted in ClinVar's aggregate classification.

Literature cited by the submitters: PubMed 20104584 (cited by Labcorp Genetics (formerly Invitae), Labcorp).